The following is an entry in ClinVar:

ClinVar aggregate classification (germline): Benign (1 of 4 stars; one submission).

Conditions:
Episodic ataxia type 5. Identifiers: Orphanet 211067, MedGen C1866039, MONDO:0013464, OMIM 613855.

Allele frequency attached by ClinVar (database versions not stated): gnomAD 0.00724 and 0.00772; TOPMed 0.00827; 1000 Genomes Project 0.00938; 1000 Genomes Project 30x 0.00984.

Submission:

Illumina Laboratory Services, Illumina
Classification: Benign for Episodic ataxia type 5. Last evaluated: 2018-01-13. Review status: criteria provided, single submitter. Criteria: ICSL Variant Classification Criteria 13 December 2019. Collection method: clinical testing. Allele origin: germline.
Comment: This variant was observed in the ICSL laboratory as part of a predisposition screen in an ostensibly healthy population. It had not been previously curated by ICSL or reported in the Human Gene Mutation Database (HGMD: prior to June 1st, 2018), and was therefore a candidate for classification through an automated scoring system. Utilizing variant allele frequency, disease prevalence and penetrance estimates, and inheritance mode, an automated score was calculated to assess if this variant is too frequent to cause the disease. Based on the score and internal cut-off values, a variant classified as benign is not then subjected to further curation. The score for this variant resulted in a classification of benign for this disease.

NM_000726.5(CACNB4):c.*2210A>G

Gene: CACNB4 (calcium voltage-gated channel auxiliary subunit beta 4; minus strand). Cytogenetic location: 2q23.3.
Variant type: single nucleotide variant.
Coding change: c.*2210A>G on transcript NM_000726.5 (MANE Select); 2210 bases downstream of the stop codon, A replaced by G.
Molecular consequence: 3 prime UTR variant.
Genome position (GRCh38, 1-based): chr2:151,836,909, T>C on the plus strand (A>G on the coding strand, the complement: CACNB4 is on the minus strand). VCF-style: chr2-151836909-T-C. GRCh37 (hg19) VCF-style: chr2-152693423-T-C.
Other names: c.*2210A>G (NM_001005746.4, NM_001005747.4, NM_001145798.3 and 7 more transcripts).
Identifiers: ClinVar variation 331588 (VCV000331588.6), dbSNP rs114341631, ClinGen allele CA10611009.
Genomic context (GRCh38, chr2:151,836,909, plus strand): 5'-AATGACCAAACTGCTAATGCTACTACAGAAAAAGCTGAACAGCTGTCTAGTCTAAATTTG[T>C]ACACCTTGGTGCACTCTTTGCAATTAAATACTTTAATGCGCATAAACAAGAAACCAGTAA-3'